The following is an entry in ClinVar:

ClinVar aggregate classification (germline): Uncertain significance (1 of 4 stars; one submission).

Conditions:
Cardiovascular phenotype. Identifiers: MedGen CN230736.

gnomAD v4.1: 2 of 1,569,528 alleles (0.00013%); highest among the groups gnomAD compares: Non-Finnish European, 0.00017%; no homozygotes.

Submission:

Ambry Genetics
Classification: Uncertain significance for Cardiovascular phenotype. Last evaluated: 2026-01-21. Review status: criteria provided, single submitter. Criteria: Ambry Variant Classification Scheme 2023. Collection method: clinical testing. Allele origin: germline.
Comment: The p.G489D variant (also known as c.1466G>A), located in coding exon 2 of the TNXB gene, results from a G to A substitution at nucleotide position 1466. The glycine at codon 489 is replaced by aspartic acid, an amino acid with similar properties. This amino acid position is conserved. In addition, this alteration is predicted to be tolerated by in silico analysis. Based on the available evidence, the clinical significance of this variant remains unclear.

NM_001365276.2(TNXB):c.1466G>A (p.Gly489Asp)

Gene: TNXB (tenascin XB; minus strand). Cytogenetic location: 6p21.33.
Variant type: single nucleotide variant.
Coding change: c.1466G>A on transcript NM_001365276.2 (MANE Select); coding-DNA position 1466, G replaced by A.
Protein change: p.Gly489Asp; replaces glycine 489 with aspartic acid.
Molecular consequence: missense variant.
Genome position (GRCh38, 1-based): chr6:32,096,387, C>T on the plus strand (G>A on the coding strand, the complement: TNXB is on the minus strand). VCF-style: chr6-32096387-C-T. GRCh37 (hg19) VCF-style: chr6-32064164-C-T.
Other names: c.1466G>A, p.Gly489Asp (NM_001428335.1, NM_019105.8); short protein forms G489D.
Identifiers: ClinVar variation 4824399 (VCV004824399.1).